The following is an entry in ClinVar:

NM_001035.3(RYR2):c.1032del (p.Glu345fs)

Gene: RYR2 (ryanodine receptor 2; plus strand). Cytogenetic location: 1q43.
Variant type: Deletion.
Coding change: c.1032del on transcript NM_001035.3 (MANE Select); coding-DNA position 1032, one base deleted (A; older notation c.1032delA).
Protein change: p.Glu345fs; shifts the reading frame from glutamic acid 345.
Molecular consequence: frameshift variant.
Genome position (GRCh38, 1-based): chr1:237,441,345, A deleted; the last of 4 consecutive A bases (chr1:237,441,342-237,441,345); deleting any one gives the same sequence. VCF-style (leftmost placement, unchanged base first): chr1-237441341-GA-G. GRCh37 (hg19) VCF-style: chr1-237604641-GA-G.
Other names: short protein forms E345fs.
Identifiers: ClinVar variation 834834 (VCV000834834.9), dbSNP rs1707880851, ClinGen allele CA916082160.

ClinVar aggregate classification (germline): Uncertain significance (1 of 4 stars; one submission).

Conditions:
Catecholaminergic polymorphic ventricular tachycardia 1. Also called: VENTRICULAR TACHYCARDIA, CATECHOLAMINERGIC POLYMORPHIC, 1, WITH OR WITHOUT ATRIAL DYSFUNCTION AND/OR DILATED CARDIOMYOPATHY; RYR2-Related Catecholaminergic Polymorphic Ventricular Tachycardia; VENTRICULAR TACHYCARDIA, STRESS-INDUCED POLYMORPHIC 1. Identifiers: Orphanet 3286, MedGen C1631597, MONDO:0011484, OMIM 604772.

Submission:

Labcorp Genetics (formerly Invitae), Labcorp
Classification: Uncertain significance for Catecholaminergic polymorphic ventricular tachycardia 1. Last evaluated: 2019-04-09. Review status: criteria provided, single submitter. Criteria: Invitae Variant Classification Sherloc (09022015). Collection method: clinical testing. Allele origin: germline.
Comment: This sequence change creates a premature translational stop signal (p.Glu345Lysfs*2) in the RYR2 gene. It is expected to result in an absent or disrupted protein product. This variant is not present in population databases (ExAC no frequency). This variant has not been reported in the literature in individuals with RYR2-related conditions. The current clinical and genetic evidence is not sufficient to establish whether loss-of-function variants in RYR2 cause disease. In summary, the available evidence is currently insufficient to determine the role of this variant in disease. Therefore, it has been classified as a Variant of Uncertain Significance.